The following is an entry in ClinVar:

ClinVar aggregate classification (germline): Conflicting classifications of pathogenicity. Review status: criteria provided, conflicting classifications (1 of 4 stars). 3 submissions from 3 submitters: Uncertain significance (1); Likely benign (2). Last evaluated 2026-01-14.

Conditions:
Catecholaminergic polymorphic ventricular tachycardia 1. Also called: RYR2-Related Catecholaminergic Polymorphic Ventricular Tachycardia; VENTRICULAR TACHYCARDIA, CATECHOLAMINERGIC POLYMORPHIC, 1, WITH OR WITHOUT ATRIAL DYSFUNCTION AND/OR DILATED CARDIOMYOPATHY; VENTRICULAR TACHYCARDIA, STRESS-INDUCED POLYMORPHIC 1. Identifiers: Orphanet 3286, MedGen C1631597, MONDO:0011484, OMIM 604772.
Cardiomyopathy (CMYO). Also called: Cardiomyopathies. Identifiers: Orphanet 167848, MedGen C0878544, MONDO:0004994, HP:0001638. Inheritance: Various modes of inheritance.

Allele frequency attached by ClinVar (database versions not stated): gnomAD 0.00002 and 0.00003; ExAC 0.00003; TOPMed 0.00004.
gnomAD v4.1: 24 of 1,605,686 alleles (0.0015%); highest among the groups gnomAD compares: East Asian, 0.009%; 1 homozygote.

Submissions (3):

Labcorp Genetics (formerly Invitae), Labcorp
Classification: Uncertain significance for Catecholaminergic polymorphic ventricular tachycardia 1. Last evaluated: 2026-01-14. Review status: criteria provided, single submitter. Criteria: Invitae Variant Classification Sherloc (09022015). Collection method: clinical testing. Allele origin: germline.
Comment: This sequence change falls in intron 34 of the RYR2 gene. It does not directly change the encoded amino acid sequence of the RYR2 protein. It affects a nucleotide within the consensus splice site. This variant is present in population databases (rs766080208, gnomAD 0.008%). This variant has not been reported in the literature in individuals affected with RYR2-related conditions. ClinVar contains an entry for this variant (Variation ID: 638861). Variants that disrupt the consensus splice site are a relatively common cause of aberrant splicing (PMID: 17576681, 9536098). Algorithms developed to predict the effect of sequence changes on RNA splicing suggest that this variant is not likely to affect RNA splicing. In summary, the available evidence is currently insufficient to determine the role of this variant in disease. Therefore, it has been classified as a Variant of Uncertain Significance.

Blueprint Genetics
Classification: Likely benign. Last evaluated: 2024-06-07. Review status: criteria provided, single submitter. Criteria: ACMG Guidelines, 2015. Collection method: clinical testing. Allele origin: germline.

Color Diagnostics, LLC DBA Color Health
Classification: Likely benign for Cardiomyopathy. Last evaluated: 2018-12-03. Review status: criteria provided, single submitter. Criteria: ACMG Guidelines, 2015. Collection method: clinical testing. Allele origin: germline.

Literature cited by the submitters: PubMed 17576681 (cited by Labcorp Genetics (formerly Invitae), Labcorp); PubMed 9536098 (cited by Labcorp Genetics (formerly Invitae), Labcorp).

NM_001035.3(RYR2):c.4596+6C>T

Gene: RYR2 (ryanodine receptor 2; plus strand). Cytogenetic location: 1q43.
Variant type: single nucleotide variant.
Coding change: c.4596+6C>T on transcript NM_001035.3 (MANE Select); 6 bases into the intron after coding-DNA position 4596, C replaced by T.
Molecular consequence: intron variant.
Genome position (GRCh38, 1-based): chr1:237,595,663, C>T. VCF-style: chr1-237595663-C-T. GRCh37 (hg19) VCF-style: chr1-237758963-C-T.
Other names: c.4596+6C>T (LRG_402t1).
Identifiers: ClinVar variation 638861 (VCV000638861.10), dbSNP rs766080208, ClinGen allele CA086650.